The following is an entry in ClinVar:

NM_001999.4(FBN2):c.3631T>G (p.Cys1211Gly)

Gene: FBN2 (fibrillin 2; minus strand). Cytogenetic location: 5q23.3.
Variant type: single nucleotide variant.
Coding change: c.3631T>G on transcript NM_001999.4 (MANE Select); coding-DNA position 3631, T replaced by G.
Protein change: p.Cys1211Gly; replaces cysteine 1211 with glycine.
Molecular consequence: missense variant.
Genome position (GRCh38, 1-based): chr5:128,336,081, A>C on the plus strand (T>G on the coding strand, the complement: FBN2 is on the minus strand). VCF-style: chr5-128336081-A-C. GRCh37 (hg19) VCF-style: chr5-127671773-A-C.
Other names: short protein forms C1211G.
Identifiers: ClinVar variation 3898781 (VCV003898781.1).

ClinVar aggregate classification (germline): Uncertain significance (1 of 4 stars; one submission).

Submission:

GeneDx
Classification: Uncertain significance. Last evaluated: 2024-11-11. Review status: criteria provided, single submitter. Criteria: GeneDx Variant Classification Process June 2021. Collection method: clinical testing. Allele origin: germline. Affected: yes.
Comment: Not observed at significant frequency in large population cohorts (gnomAD); In silico analysis supports that this missense variant has a deleterious effect on protein structure/function; Has not been previously published as pathogenic or benign to our knowledge; This variant is associated with the following publications: (PMID: 19006240, 18767143)